The following is an entry in ClinVar:

ClinVar aggregate classification (germline): Uncertain significance. Review status: criteria provided, multiple submitters, no conflicts (2 of 4 stars). 4 submissions from 4 submitters: Uncertain significance (4). Last evaluated 2026-08-19.

Conditions:
Inborn genetic diseases. Identifiers: MedGen C0950123, MeSH D030342.
PLEC-related disorder. Also called: PLEC-related condition; PLEC-related disorders.
Epidermolysis bullosa simplex 5C, with pyloric atresia (EBS5C). Also called: PLEC-Related Epidermolysis Bullosa with Pyloric Atresia; Epidermolysis bullosa simplex with pyloric atresia; PLEC1-Related Epidermolysis Bullosa with Pyloric Atresia. Identifiers: Orphanet 158684, MedGen C2677349, MONDO:0012807, OMIM 612138.
Epidermolysis bullosa simplex 5B, with muscular dystrophy (EBS5B). Also called: Epidermolysis bullosa simplex with muscular dystrophy; EPIDERMOLYSIS BULLOSA SIMPLEX AND LIMB-GIRDLE MUSCULAR DYSTROPHY. Identifiers: Orphanet 257, MedGen C2931072, MONDO:0009181, OMIM 226670.
Epidermolysis bullosa simplex, Ogna type (EBS5A). Also called: Pidermolysis bullosa simplex 5A, Ogna type; EPIDERMOLYSIS BULLOSA SIMPLEX 5A, OGNA TYPE. Identifiers: Orphanet 79401, MedGen C0432317, MONDO:0007555, OMIM 131950.
Epidermolysis bullosa simplex with nail dystrophy (EBS5D). Identifiers: MedGen C4225309, MONDO:0014661, OMIM 616487.
Autosomal recessive limb-girdle muscular dystrophy type 2Q (LGMDR17). Also called: MUSCULAR DYSTROPHY, LIMB-GIRDLE, AUTOSOMAL RECESSIVE 17. Identifiers: Orphanet 254361, MedGen C3150989, MONDO:0013390, OMIM 613723.

Allele frequency attached by ClinVar (database versions not stated): TOPMed 0.00005; ExAC 0.00007; gnomAD exomes 0.00007; gnomAD 0.00008 and 0.00009.

Submissions (4):

PreventionGenetics, part of Exact Sciences
Classification: Uncertain significance for PLEC-related condition. Last evaluated: 2026-08-19. Review status: criteria provided, single submitter. Criteria: ACMG Guidelines, 2015. Collection method: clinical testing. Allele origin: germline.
Comment: The PLEC c.8020G>A variant is predicted to result in the amino acid substitution p.Asp2674Asn. To our knowledge, this variant has not been reported in the literature. This variant is reported in 0.011% of alleles in individuals of European (Non-Finnish) descent in gnomAD. At this time, the clinical significance of this variant is uncertain due to the absence of conclusive functional and genetic evidence.

Labcorp Genetics (formerly Invitae), Labcorp
Classification: Uncertain significance for Autosomal recessive limb-girdle muscular dystrophy type 2Q; Epidermolysis bullosa simplex, Ogna type; Epidermolysis bullosa simplex with nail dystrophy; Epidermolysis bullosa simplex 5C, with pyloric atresia; Epidermolysis bullosa simplex 5B, with muscular dystrophy. Last evaluated: 2025-08-02. Review status: criteria provided, single submitter. Criteria: Invitae Variant Classification Sherloc (09022015). Collection method: clinical testing. Allele origin: germline.
Comment: This sequence change replaces aspartic acid, which is acidic and polar, with asparagine, which is neutral and polar, at codon 2674 of the PLEC protein (p.Asp2674Asn). This variant is present in population databases (rs782492323, gnomAD 0.01%). This variant has not been reported in the literature in individuals affected with PLEC-related conditions. ClinVar contains an entry for this variant (Variation ID: 1495614). An algorithm developed to predict the effect of missense changes on protein structure and function (PolyPhen-2) suggests that this variant is likely to be tolerated. In summary, the available evidence is currently insufficient to determine the role of this variant in disease. Therefore, it has been classified as a Variant of Uncertain Significance.

GeneDx
Classification: Uncertain significance. Last evaluated: 2024-07-25. Review status: criteria provided, single submitter. Criteria: GeneDx Variant Classification Process June 2021. Collection method: clinical testing. Allele origin: germline.
Comment: Not observed at significant frequency in large population cohorts (gnomAD); In silico analysis indicates that this missense variant does not alter protein structure/function; Has not been previously published as pathogenic or benign to our knowledge

Ambry Genetics
Classification: Uncertain significance for Inborn genetic diseases. Last evaluated: 2021-07-20. Review status: criteria provided, single submitter. Criteria: Ambry Variant Classification Scheme 2023. Collection method: clinical testing. Allele origin: germline.

NM_201384.3(PLEC):c.7939G>A (p.Asp2647Asn)

Gene: PLEC (plectin; minus strand). Cytogenetic location: 8q24.3.
Variant type: single nucleotide variant.
Coding change: c.7939G>A on transcript NM_201384.3 (MANE Select); coding-DNA position 7939, G replaced by A.
Protein change: p.Asp2647Asn; replaces aspartic acid 2647 with asparagine.
Molecular consequence: missense variant.
Genome position (GRCh38, 1-based): chr8:143,921,882, C>T on the plus strand (G>A on the coding strand, the complement: PLEC is on the minus strand). VCF-style: chr8-143921882-C-T. GRCh37 (hg19) VCF-style: chr8-144996050-C-T.
Other names: c.8020G>A (NM_000445.3, NM_000445.4); c.8020G>A, p.Asp2674Asn (NM_000445.5); c.7897G>A, p.Asp2633Asn (NM_201378.4); c.7873G>A, p.Asp2625Asn (NM_201379.3); c.8350G>A, p.Asp2784Asn (NM_201380.4); c.7843G>A, p.Asp2615Asn (NM_201381.3); c.7939G>A, p.Asp2647Asn (NM_201382.4); c.7951G>A, p.Asp2651Asn (NM_201383.3); short protein forms D2615N, D2633N, D2647N, D2784N, D2651N, D2625N, D2674N.
Identifiers: ClinVar variation 1495614 (VCV001495614.12), dbSNP rs782492323, ClinGen allele CA4925473.